The following is an entry in ClinVar:

ClinVar aggregate classification (germline): Uncertain significance (1 of 4 stars; one submission).

Allele frequency attached by ClinVar (database versions not stated): TOPMed below 0.00001.

Submission:

Labcorp Genetics (formerly Invitae), Labcorp
Classification: Uncertain significance. Last evaluated: 2023-03-11. Review status: criteria provided, single submitter. Criteria: Invitae Variant Classification Sherloc (09022015). Collection method: clinical testing. Allele origin: germline.
Comment: In summary, the available evidence is currently insufficient to determine the role of this variant in disease. Therefore, it has been classified as a Variant of Uncertain Significance. Advanced modeling of protein sequence and biophysical properties (such as structural, functional, and spatial information, amino acid conservation, physicochemical variation, residue mobility, and thermodynamic stability) performed at Invitae indicates that this missense variant is not expected to disrupt KMT2A protein function. This variant has not been reported in the literature in individuals affected with KMT2A-related conditions. This variant is not present in population databases (gnomAD no frequency). This sequence change replaces valine, which is neutral and non-polar, with isoleucine, which is neutral and non-polar, at codon 2596 of the KMT2A protein (p.Val2596Ile).

NM_001197104.2(KMT2A):c.7786G>A (p.Val2596Ile)

Gene: KMT2A (lysine methyltransferase 2A; plus strand). Cytogenetic location: 11q23.3.
Variant type: single nucleotide variant.
Coding change: c.7786G>A on transcript NM_001197104.2 (MANE Select); coding-DNA position 7786, G replaced by A.
Protein change: p.Val2596Ile; replaces valine 2596 with isoleucine.
Molecular consequence: missense variant.
Genome position (GRCh38, 1-based): chr11:118,503,678, G>A. VCF-style: chr11-118503678-G-A. GRCh37 (hg19) VCF-style: chr11-118374393-G-A.
Other names: c.7876G>A, p.Val2626Ile (NM_001412597.1); c.7777G>A, p.Val2593Ile (NM_005933.4); short protein forms V2596I, V2593I, V2626I.
Identifiers: ClinVar variation 2787457 (VCV002787457.3), dbSNP rs1950537639, ClinGen allele CA382807158.